The following is an entry in ClinVar:

NM_005932.4(MIPEP):c.626A>G (p.Asn209Ser)

Gene: MIPEP (mitochondrial intermediate peptidase; minus strand). Cytogenetic location: 13q12.12.
Variant type: single nucleotide variant.
Coding change: c.626A>G on transcript NM_005932.4 (MANE Select); coding-DNA position 626, A replaced by G.
Protein change: p.Asn209Ser; replaces asparagine 209 with serine.
Molecular consequence: missense variant.
Genome position (GRCh38, 1-based): chr13:23,870,173, T>C on the plus strand (A>G on the coding strand, the complement: MIPEP is on the minus strand). VCF-style: chr13-23870173-T-C. GRCh37 (hg19) VCF-style: chr13-24444312-T-C.
Other names: short protein forms N209S.
Identifiers: ClinVar variation 1931075 (VCV001931075.5), dbSNP rs781683550, ClinGen allele CA6913247.

ClinVar aggregate classification (germline): Uncertain significance (1 of 4 stars; one submission).

Allele frequency attached by ClinVar (database versions not stated): gnomAD exomes below 0.00001; TOPMed 0.00001.
gnomAD v4.1: 1 of 1,606,350 alleles (0.000062%); highest among the groups gnomAD compares: Admixed American, 0.0017%; no homozygotes.

Submission:

Labcorp Genetics (formerly Invitae), Labcorp
Classification: Uncertain significance. Last evaluated: 2022-06-05. Review status: criteria provided, single submitter. Criteria: Invitae Variant Classification Sherloc (09022015). Collection method: clinical testing. Allele origin: germline.
Comment: In summary, the available evidence is currently insufficient to determine the role of this variant in disease. Therefore, it has been classified as a Variant of Uncertain Significance. This sequence change replaces asparagine, which is neutral and polar, with serine, which is neutral and polar, at codon 209 of the MIPEP protein (p.Asn209Ser). This variant is present in population databases (rs781683550, gnomAD 0.003%). This variant has not been reported in the literature in individuals affected with MIPEP-related conditions. Algorithms developed to predict the effect of missense changes on protein structure and function (SIFT, PolyPhen-2, Align-GVGD) all suggest that this variant is likely to be tolerated.